The following is an entry in ClinVar:

ClinVar aggregate classification (germline): Uncertain significance (1 of 4 stars; one submission).

Submission:

Ambry Genetics
Classification: Uncertain significance. Last evaluated: 2026-07-09. Review status: criteria provided, single submitter. Criteria: Ambry Variant Classification Scheme 2023. Collection method: clinical testing. Allele origin: germline.
Comment: The c.316dupC (p.L106Pfs*4) alteration, located in exon 3 (coding exon 3) of the SIN3B gene, consists of a duplication of C at position 316, causing a translational frameshift with a predicted alternate stop codon after 4 amino acids. This variant is expected to result in premature protein truncation or nonsense-mediated mRNA decay. However, loss of function of SIN3B has not been established as a mechanism of disease. This variant was not reported in population-based cohorts in the Genome Aggregation Database (gnomAD). Based on insufficient or conflicting evidence, the clinical significance of this alteration remains unclear.

NM_001297595.2(SIN3B):c.316dup (p.Leu106fs)

Gene: SIN3B (SIN3 transcription regulator family member B; plus strand). Cytogenetic location: 19p13.11.
Variant type: Duplication.
Coding change: c.316dup on transcript NM_001297595.2 (MANE Select); coding-DNA position 316, one base duplicated (C; older notation c.316dupC).
Protein change: p.Leu106fs; shifts the reading frame from leucine 106.
Molecular consequence: frameshift variant.
Genome position (GRCh38, 1-based): chr19:16,831,582, C duplicated; the last of 4 consecutive C bases (chr19:16,831,579-16,831,582); duplicating any one gives the same sequence. VCF-style (leftmost placement, unchanged base first): chr19-16831578-T-TC. GRCh37 (hg19) VCF-style: chr19-16942389-T-TC.
Other names: c.316dup, p.Leu106fs (NM_015260.4); short protein forms L106fs.
Identifiers: ClinVar variation 5029565 (VCV005029565.1).